The following is an entry in ClinVar:

NM_001376.5(DYNC1H1):c.3417G>A (p.Met1139Ile)

Gene: DYNC1H1 (dynein cytoplasmic 1 heavy chain 1; plus strand). Cytogenetic location: 14q32.31.
Variant type: single nucleotide variant.
Coding change: c.3417G>A on transcript NM_001376.5 (MANE Select); coding-DNA position 3417, G replaced by A.
Protein change: p.Met1139Ile; replaces methionine 1139 with isoleucine.
Molecular consequence: missense variant.
Genome position (GRCh38, 1-based): chr14:101,995,069, G>A. VCF-style: chr14-101995069-G-A. GRCh37 (hg19) VCF-style: chr14-102461406-G-A.
Other names: short protein forms M1139I.
Identifiers: ClinVar variation 3636134 (VCV003636134.2).
Genomic context (GRCh38, chr14:101,995,069, plus strand): 5'-ATATGACTCTTGGCATAAGGAGGTTCTTAGCAAATTTGGGCAGATGCTAGGATCAAACAT[G>A]ACGGAATTCCATTCCCAGATCTCAAAGGTGAGGACATAGGATTCTGCCTCTGTAACCGGT-3'
Protein context (NP_001367.2, residues 1129-1149): SKFGQMLGSN[Met1139Ile]TEFHSQISKS

ClinVar aggregate classification (germline): Uncertain significance (1 of 4 stars; one submission).

Conditions:
Charcot-Marie-Tooth disease axonal type 2O. Also called: Charcot-Marie-Tooth disease, axonal, type 20; CHARCOT-MARIE-TOOTH NEUROPATHY, AXONAL, TYPE 2O; CHARCOT-MARIE-TOOTH DISEASE, AXONAL, AUTOSOMAL DOMINANT, TYPE 2O; Charcot-Marie-Tooth Neuropathy Type 2O. Identifiers: Orphanet 284232, MedGen C3280220, MONDO:0013644, OMIM 614228.

Submission:

Labcorp Genetics (formerly Invitae), Labcorp
Classification: Uncertain significance for Charcot-Marie-Tooth disease axonal type 2O. Last evaluated: 2024-03-03. Review status: criteria provided, single submitter. Criteria: Invitae Variant Classification Sherloc (09022015). Collection method: clinical testing. Allele origin: germline.
Comment: This sequence change replaces methionine, which is neutral and non-polar, with isoleucine, which is neutral and non-polar, at codon 1139 of the DYNC1H1 protein (p.Met1139Ile). This variant is not present in population databases (gnomAD no frequency). This variant has not been reported in the literature in individuals affected with DYNC1H1-related conditions. Advanced modeling of protein sequence and biophysical properties (such as structural, functional, and spatial information, amino acid conservation, physicochemical variation, residue mobility, and thermodynamic stability) performed at Invitae indicates that this missense variant is expected to disrupt DYNC1H1 protein function with a positive predictive value of 95%. In summary, the available evidence is currently insufficient to determine the role of this variant in disease. Therefore, it has been classified as a Variant of Uncertain Significance.